The following is an entry in ClinVar:

ClinVar aggregate classification (germline): Uncertain significance. Review status: criteria provided, multiple submitters, no conflicts (2 of 4 stars). 4 submissions from 4 submitters: Uncertain significance (3). 1 of the submissions does not count toward it. Last evaluated 2025-01-05.

Conditions:
Inborn genetic diseases. Identifiers: MedGen C0950123, MeSH D030342.
Fanconi anemia (FA). Also called: Fanconi's anemia. Identifiers: Orphanet 84, MedGen C0015625, MeSH D005199, MONDO:0019391.
Fanconi anemia complementation group G. Also called: Fanconi anemia group G; FANCG-Related Fanconi Anemia. Identifiers: Orphanet 84, MedGen C3469527, MONDO:0013565, OMIM 614082.

Allele frequency attached by ClinVar (database versions not stated): gnomAD exomes below 0.00001 and 0.00001; TOPMed below 0.00001; gnomAD 0.00001; ExAC 0.00002; ESP Exome Variant Server 0.00008.
gnomAD v4.1: 7 of 1,614,086 alleles (0.00043%); highest among the groups gnomAD compares: Non-Finnish European, 0.00042%; no homozygotes.

Submissions (4):

Ambry Genetics
Classification: Uncertain significance for Inborn genetic diseases. Last evaluated: 2025-01-05. Review status: criteria provided, single submitter. Criteria: Ambry Variant Classification Scheme 2023. Collection method: clinical testing. Allele origin: germline.
Comment: The p.A507T variant (also known as c.1519G>A), located in coding exon 12 of the FANCG gene, results from a G to A substitution at nucleotide position 1519. The alanine at codon 507 is replaced by threonine, an amino acid with similar properties. This amino acid position is conserved. In addition, this alteration is predicted to be tolerated by in silico analysis. Based on the available evidence, the clinical significance of this variant remains unclear.

Fulgent Genetics
Classification: Uncertain significance for Fanconi anemia complementation group G. Last evaluated: 2022-05-14. Review status: criteria provided, single submitter. Criteria: ACMG Guidelines, 2015. Collection method: clinical testing. Allele origin: unknown.

Labcorp Genetics (formerly Invitae), Labcorp
Classification: Uncertain significance for Fanconi anemia. Last evaluated: 2021-08-26. Review status: criteria provided, single submitter. Criteria: Invitae Variant Classification Sherloc (09022015). Collection method: clinical testing. Allele origin: germline.
Comment: This sequence change replaces alanine with threonine at codon 507 of the FANCG protein (p.Ala507Thr). The alanine residue is weakly conserved and there is a small physicochemical difference between alanine and threonine. This variant is present in population databases (rs373151602, ExAC 0.004%). This variant has not been reported in the literature in individuals affected with FANCG-related conditions. Algorithms developed to predict the effect of missense changes on protein structure and function (SIFT, PolyPhen-2, Align-GVGD) all suggest that this variant is likely to be tolerated. In summary, the available evidence is currently insufficient to determine the role of this variant in disease. Therefore, it has been classified as a Variant of Uncertain Significance.

Natera, Inc.
Classification: Uncertain significance for Fanconi anemia group G. Last evaluated: 2021-04-15. Review status: no assertion criteria provided. Collection method: clinical testing. Allele origin: germline. Not counted in ClinVar's aggregate classification.

NM_004629.2(FANCG):c.1519G>A (p.Ala507Thr)

Gene: FANCG (FA complementation group G; minus strand). Cytogenetic location: 9p13.3.
Variant type: single nucleotide variant.
Coding change: c.1519G>A on transcript NM_004629.2 (MANE Select); coding-DNA position 1519, G replaced by A.
Protein change: p.Ala507Thr; replaces alanine 507 with threonine.
Molecular consequence: missense variant.
Genome position (GRCh38, 1-based): chr9:35,075,044, C>T on the plus strand (G>A on the coding strand, the complement: FANCG is on the minus strand). VCF-style: chr9-35075044-C-T. GRCh37 (hg19) VCF-style: chr9-35075041-C-T.
Other names: c.1519G>A (NM_004629.1); short protein forms A507T.
Identifiers: ClinVar variation 1027151 (VCV001027151.9), dbSNP rs373151602, ClinGen allele CA5039708.